The following is an entry in ClinVar:

ClinVar aggregate classification (germline): Likely benign. Review status: criteria provided, multiple submitters, no conflicts (2 of 4 stars). 4 submissions from 4 submitters: Likely benign (2). 2 of the submissions do not count toward it. Last evaluated 2026-01-28.

Conditions:
PHGDH-related disorder. Also called: PHGDH-related condition.
PHGDH deficiency. Identifiers: Orphanet 79351, MedGen C1866174, MONDO:0011152, OMIM 601815.

Allele frequency attached by ClinVar (database versions not stated): ESP Exome Variant Server 0.00008; ExAC 0.00012; gnomAD exomes 0.00012; gnomAD 0.00019; TOPMed 0.00040; 1000 Genomes Project 0.00060; 1000 Genomes Project 30x 0.00062.
gnomAD v4.1: 219 of 1,613,574 alleles (0.014%); highest among the groups gnomAD compares: Admixed American, 0.062%; no homozygotes.

Submissions (4):

Labcorp Genetics (formerly Invitae), Labcorp
Classification: Likely benign for PHGDH deficiency. Last evaluated: 2026-01-28. Review status: criteria provided, single submitter. Criteria: Invitae Variant Classification Sherloc (09022015). Collection method: clinical testing. Allele origin: germline.

Blueprint Genetics
Classification: Likely benign. Last evaluated: 2024-02-12. Review status: criteria provided, single submitter. Criteria: ACMG Guidelines, 2015. Collection method: clinical testing. Allele origin: germline.

PreventionGenetics, part of Exact Sciences
Classification: Likely benign for PHGDH-related condition. Last evaluated: 2024-05-13. Review status: no assertion criteria provided. Collection method: clinical testing. Allele origin: germline. Not counted in ClinVar's aggregate classification.
Comment: This variant is classified as likely benign based on ACMG/AMP sequence variant interpretation guidelines (Richards et al. 2015 PMID: 25741868, with internal and published modifications).

Natera, Inc.
Classification: Likely benign for Phosphoglycerate dehydrogenase deficiency. Last evaluated: 2020-09-16. Review status: no assertion criteria provided. Collection method: clinical testing. Allele origin: germline. Not counted in ClinVar's aggregate classification.

NM_006623.4(PHGDH):c.411+9C>T

Gene: PHGDH (phosphoglycerate dehydrogenase; plus strand). Cytogenetic location: 1p12.
Variant type: single nucleotide variant.
Coding change: c.411+9C>T on transcript NM_006623.4 (MANE Select); 9 bases into the intron after coding-DNA position 411, C replaced by T.
Molecular consequence: intron variant.
Genome position (GRCh38, 1-based): chr1:119,726,914, C>T. VCF-style: chr1-119726914-C-T. GRCh37 (hg19) VCF-style: chr1-120269537-C-T.
Identifiers: ClinVar variation 789932 (VCV000789932.14), dbSNP rs187075075, ClinGen allele CA1037082.
Genomic context (GRCh38, chr1:119,726,914, plus strand): 5'-GATTCCCCAGGCGACGGCTTCGATGAAGGACGGCAAATGGGAGCGGAAGAAGGTGAGCAG[C>T]GGCCTTGACTCGCCCCACCTGGGCTCAGGGCCCGGGGTCCACTCATGTTGCTGACTTCAG-3'